The following is an entry in ClinVar:

NM_000059.4(BRCA2):c.2687_2688insGA (p.Asn896fs)

Gene: BRCA2 (BRCA2 DNA repair associated; plus strand). Cytogenetic location: 13q13.1.
Variant type: Insertion.
Coding change: c.2687_2688insGA on transcript NM_000059.4 (MANE Select); coding-DNA positions 2687 to 2688, GA inserted.
Protein change: p.Asn896fs; shifts the reading frame from asparagine 896.
Molecular consequence: frameshift variant.
Genome position: GRCh38 VCF-style: chr13-32337041-A-AAG. GRCh37 (hg19) VCF-style: chr13-32911178-A-AAG.
Other names: short protein forms N896fs.
Identifiers: ClinVar variation 495441 (VCV000495441.1), dbSNP rs1555282795, ClinGen allele CA658683842.

ClinVar aggregate classification (germline): Likely pathogenic (1 of 4 stars; one submission).

Conditions:
Hereditary breast ovarian cancer syndrome. Also called: Hereditary breast and/or ovarian cancer syndrome; BRCA1- and BRCA2-Associated Hereditary Breast and Ovarian Cancer; Breast and ovarian cancer; Hereditary breast and ovarian cancer; Hereditary breast and ovarian cancer syndrome; Hereditary breast and ovarian cancer syndrome (HBOC). Identifiers: Orphanet 145, MedGen C0677776, MeSH D061325, MONDO:0003582. Disease mechanism: loss of function.

Submission:

Women's Health and Genetics/Laboratory Corporation of America, LabCorp
Classification: Likely pathogenic for Hereditary breast ovarian cancer syndrome. Last evaluated: 2016-10-18. Review status: criteria provided, single submitter. Criteria: LabCorp Variant Classification Summary - May 2015. Collection method: clinical testing. Allele origin: germline.
Comment: Variant summary: The BRCA2 c.2687_2688insGA (p.Asn896Lysfs) variant results in a premature termination codon, predicted to cause a truncated or absent BRCA2 protein due to nonsense mediated decay (NMD), which are commonly known mechanisms for disease. If this variant escapes NMD, it is predicted to truncate BRCA2 repeats, helical domain, Tower domain, oligonucleotide/oligosaccharide-binding region and nucleic acid-binding regions (InterPro). Truncations downstream of this position have been classified as pathogenic by our laboratory (e.g. p.Gln1371X, p.Gln1408X, p.Asp1547X etc.). This variant is absent in 120450 control chromosomes from ExAC. The variant of interest has not, to our knowledge, been reported in affected individuals via publications and/or reputable databases/clinical diagnostic laboratories. Taken together, this variant is classified as likely pathogenic.